The following is an entry in ClinVar:

ClinVar aggregate classification (germline): Likely benign. Review status: criteria provided, multiple submitters, no conflicts (2 of 4 stars). 9 submissions from 9 submitters: Likely benign (5). 4 of the submissions do not count toward it. Last evaluated 2026-08-01.

Conditions:
Cardiovascular phenotype. Identifiers: MedGen CN230736.
Dilated cardiomyopathy 1KK (CMD1KK). Identifiers: Orphanet 154, Orphanet 75249, MedGen C3714995, MONDO:0014100, OMIM 615248.

Allele frequency attached by ClinVar (database versions not stated): TOPMed 0.00002; gnomAD 0.00003; gnomAD exomes 0.00004; ExAC 0.00005; ESP Exome Variant Server 0.00015.
gnomAD v4.1: 137 of 1,614,072 alleles (0.0085%); highest among the groups gnomAD compares: Non-Finnish European, 0.011%; no homozygotes.

Submissions (9):

CeGaT Center for Human Genetics Tuebingen
Classification: Likely benign. Last evaluated: 2026-08-01. Review status: criteria provided, single submitter. Criteria: CeGaT Center For Human Genetics Tuebingen Variant Classification Criteria Version 2. Collection method: clinical testing. Allele origin: germline. Affected: yes. Observed: 1 variant allele.
Comment: MYPN: BP4, BP7

Labcorp Genetics (formerly Invitae), Labcorp
Classification: Likely benign for Dilated cardiomyopathy 1KK. Last evaluated: 2025-11-24. Review status: criteria provided, single submitter. Criteria: Invitae Variant Classification Sherloc (09022015). Collection method: clinical testing. Allele origin: germline.

Blueprint Genetics
Classification: Likely benign. Last evaluated: 2023-10-05. Review status: criteria provided, single submitter. Criteria: ACMG Guidelines, 2015. Collection method: clinical testing. Allele origin: germline.

Ambry Genetics
Classification: Likely benign for Cardiovascular phenotype. Last evaluated: 2017-12-26. Review status: criteria provided, single submitter. Criteria: Ambry Variant Classification Scheme 2023. Collection method: clinical testing. Allele origin: germline.

Genome Diagnostics Laboratory, University Medical Center Utrecht
Classification: Likely benign for Dilated cardiomyopathy 1KK. Last evaluated: 2017-11-16. Review status: criteria provided, single submitter. Criteria: ACGS Guidelines, 2013. Collection method: clinical testing. Allele origin: germline. Affected: yes. Study: VKGL Data-share Consensus.

Clinical Genetics DNA and cytogenetics Diagnostics Lab, Erasmus MC, Erasmus Medical Center
Classification: Likely benign. Review status: no assertion criteria provided. Collection method: clinical testing. Allele origin: germline. Affected: yes. Study: VKGL Data-share Consensus. Not counted in ClinVar's aggregate classification.

Clinical Genetics, Academic Medical Center
Classification: Benign. Review status: no assertion criteria provided. Collection method: clinical testing. Allele origin: germline. Affected: yes. Study: VKGL Data-share Consensus. Not counted in ClinVar's aggregate classification.

Diagnostic Laboratory, Department of Genetics, University Medical Center Groningen
Classification: Likely benign for Dilated cardiomyopathy 1KK. Review status: no assertion criteria provided. Collection method: clinical testing. Allele origin: germline. Affected: yes. Study: VKGL Data-share Consensus. Not counted in ClinVar's aggregate classification.

Joint Genome Diagnostic Labs from Nijmegen and Maastricht, Radboudumc and MUMC+
Classification: Likely benign. Review status: no assertion criteria provided. Collection method: clinical testing. Allele origin: germline. Affected: yes. Study: VKGL Data-share Consensus. Not counted in ClinVar's aggregate classification.

NM_032578.4(MYPN):c.3720C>T (p.Asp1240=)

Gene: MYPN (myopalladin; plus strand). Cytogenetic location: 10q21.3.
Variant type: single nucleotide variant.
Coding change: c.3720C>T on transcript NM_032578.4 (MANE Select); coding-DNA position 3720, C replaced by T.
Protein change: p.Asp1240=; no amino-acid change (aspartic acid 1240 retained).
Molecular consequence: synonymous variant. On other transcripts: non-coding transcript variant (2).
Genome position (GRCh38, 1-based): chr10:68,206,830, C>T. VCF-style: chr10-68206830-C-T. GRCh37 (hg19) VCF-style: chr10-69966587-C-T.
Other names: c.3720C>T, p.Asp1240= (NM_001256267.2); c.2838C>T, p.Asp946= (NM_001256268.2).
Identifiers: ClinVar variation 477758 (VCV000477758.21), dbSNP rs146280945, ClinGen allele CA5523132.